The following is an entry in ClinVar:

NM_032383.5(HPS3):c.1868_1872del (p.Asn623fs)

Gene: HPS3 (HPS3 biogenesis of lysosomal organelles complex 2 subunit 1; plus strand). Cytogenetic location: 3q24.
Variant type: Deletion.
Coding change: c.1868_1872del on transcript NM_032383.5 (MANE Select); coding-DNA positions 1868 to 1872, 5 bases deleted (ATGAA; older notation c.1868_1872delATGAA).
Protein change: p.Asn623fs; shifts the reading frame from asparagine 623.
Molecular consequence: frameshift variant.
Genome position (GRCh38, 1-based): chr3:149,158,842-149,158,846, ATGAA deleted; deleting any 5 consecutive bases within chr3:149,158,840-149,158,846 gives the same sequence; the c. name uses the placement nearest the transcript's 3' end. VCF-style (leftmost placement, unchanged base first): chr3-149158839-TAAATG-T. GRCh37 (hg19) VCF-style: chr3-148876626-TAAATG-T.
Other names: c.1373_1377del, p.Asn458fs (NM_001308258.2); short protein forms N458fs, N623fs.
Identifiers: ClinVar variation 1427081 (VCV001427081.7), dbSNP rs749632423, ClinGen allele CA2660194.

ClinVar aggregate classification (germline): Pathogenic/Likely pathogenic. Review status: criteria provided, multiple submitters, no conflicts (2 of 4 stars). 2 submissions from 2 submitters: Pathogenic (1); Likely pathogenic (1). Last evaluated 2023-07-18.

Conditions:
Hermansky-Pudlak syndrome 3 (HPS3). Identifiers: Orphanet 231512, Orphanet 79430, MedGen C3888001, MONDO:0013555, OMIM 614072.

Submissions (2):

Baylor Genetics
Classification: Likely pathogenic for Hermansky-Pudlak syndrome 3. Last evaluated: 2023-07-18. Review status: criteria provided, single submitter. Criteria: ACMG Guidelines, 2015. Collection method: clinical testing. Allele origin: unknown.

Labcorp Genetics (formerly Invitae), Labcorp
Classification: Pathogenic. Last evaluated: 2023-05-13. Review status: criteria provided, single submitter. Criteria: Invitae Variant Classification Sherloc (09022015). Collection method: clinical testing. Allele origin: germline.
Comment: ClinVar contains an entry for this variant (Variation ID: 1427081). For these reasons, this variant has been classified as Pathogenic. This variant has not been reported in the literature in individuals affected with HPS3-related conditions. This variant is present in population databases (rs749632423, gnomAD 0.006%). This sequence change creates a premature translational stop signal (p.Asn623Argfs*14) in the HPS3 gene. It is expected to result in an absent or disrupted protein product. Loss-of-function variants in HPS3 are known to be pathogenic (PMID: 11590544).

Literature cited by the submitters: PubMed 11590544 (cited by Labcorp Genetics (formerly Invitae), Labcorp).